The following is an entry in ClinVar:

ClinVar aggregate classification (germline): Uncertain significance. Review status: criteria provided, multiple submitters, no conflicts (2 of 4 stars). 2 submissions from 2 submitters: Uncertain significance (2). Last evaluated 2025-03-10.

Conditions:
Hereditary cancer-predisposing syndrome. Also called: Hereditary neoplastic syndrome; Neoplastic Syndromes, Hereditary; Hereditary Cancer Syndrome; Tumor predisposition. Identifiers: Orphanet 140162, MedGen C0027672, MeSH D009386, MONDO:0015356.
Familial cancer of breast. Also called: BREAST CANCER, FAMILIAL; hereditary breast carcinoma; Hereditary breast cancer. Identifiers: Orphanet 227535, MedGen C0346153, MONDO:0016419, OMIM 114480. Disease mechanism: loss of function.

Submissions (2):

Ambry Genetics
Classification: Uncertain significance for Hereditary cancer-predisposing syndrome. Last evaluated: 2025-03-10. Review status: criteria provided, single submitter. Criteria: Ambry Variant Classification Scheme 2023. Collection method: clinical testing. Allele origin: germline.
Comment: The p.T734P variant (also known as c.2200A>C), located in coding exon 11 of the BARD1 gene, results from an A to C substitution at nucleotide position 2200. The threonine at codon 734 is replaced by proline, an amino acid with highly similar properties. This amino acid position is conserved. In addition, this alteration is predicted to be deleterious by in silico analysis. Based on the available evidence, the clinical significance of this variant remains unclear.

Labcorp Genetics (formerly Invitae), Labcorp
Classification: Uncertain significance for Familial cancer of breast. Last evaluated: 2022-08-21. Review status: criteria provided, single submitter. Criteria: Invitae Variant Classification Sherloc (09022015). Collection method: clinical testing. Allele origin: germline.
Comment: This sequence change replaces threonine, which is neutral and polar, with proline, which is neutral and non-polar, at codon 734 of the BARD1 protein (p.Thr734Pro). This variant is not present in population databases (gnomAD no frequency). This variant has not been reported in the literature in individuals affected with BARD1-related conditions. Algorithms developed to predict the effect of missense changes on protein structure and function (SIFT, PolyPhen-2, Align-GVGD) all suggest that this variant is likely to be disruptive. In summary, the available evidence is currently insufficient to determine the role of this variant in disease. Therefore, it has been classified as a Variant of Uncertain Significance.

NM_000465.4(BARD1):c.2200A>C (p.Thr734Pro)

Gene: BARD1 (BRCA1 associated RING domain 1; minus strand). Cytogenetic location: 2q35.
Variant type: single nucleotide variant.
Coding change: c.2200A>C on transcript NM_000465.4 (MANE Select); coding-DNA position 2200, A replaced by C.
Protein change: p.Thr734Pro; replaces threonine 734 with proline.
Molecular consequence: missense variant. On other transcripts: non-coding transcript variant (3).
Genome position (GRCh38, 1-based): chr2:214,728,810, T>G on the plus strand (A>C on the coding strand, the complement: BARD1 is on the minus strand). VCF-style: chr2-214728810-T-G. GRCh37 (hg19) VCF-style: chr2-215593534-T-G.
Other names: c.2143A>C, p.Thr715Pro (NM_001282543.2); c.847A>C, p.Thr283Pro (NM_001282545.2); c.790A>C, p.Thr264Pro (NM_001282548.2); c.661A>C, p.Thr221Pro (NM_001282549.2); c.2200A>C (NM_000465.2); short protein forms T221P, T264P, T283P, T715P, T734P.
Identifiers: ClinVar variation 1717305 (VCV001717305.6), dbSNP rs1553612113, ClinGen allele CA350450256.
Genomic context (GRCh38, chr2:214,728,810, plus strand): 5'-TGCCCTGCCGAACCCTCTCTGGGTGATAATTACACAAATCTTCATAGATGATATACTGTG[T>G]GCAGAAGCGCTGATCAGAATCGGGTCTCGCATGGTATGCGACTGTATTGATGGTCTGAGT-3'
Protein context (NP_000456.2, residues 724-744): ARPDSDQRFC[Thr734Pro]QYIIYEDLCN